The following is an entry in ClinVar:

GRCh37/hg19 6p22.1(chr6:29718640-29760628)x3

Variant type: copy number gain.
Change: copy number 3 (three copies instead of two) of chr6:29,718,640-29,760,628 (42.0 kb, GRCh37 coordinates, 1-based), cytogenetic band 6p22.1.
Identifiers: ClinVar variation 395129 (VCV000395129.3).

ClinVar aggregate classification (germline): Benign/Likely benign (0 of 4 stars; one submission).

Submission:

ISCA Site 6
Classification: Benign/Likely benign. Review status: no assertion criteria provided. Collection method: clinical testing. Allele origin: unknown. Affected: yes. Observed: 17 variant alleles. Clinical features observed: Developmental delay AND/OR other significant developmental or morphological phenotypes.
Comment: Likely benign (11), Benign (6)

Copy number variation identified through the course of routine clinical cytogenomic testing in postnatal populations, with clinical assertions as classified by the original submitter. For data from the original published study, Kaminsky, et al. 2011 (PubMed 21844811), please see nstd101.